The following is an entry in ClinVar:

ClinVar aggregate classification (germline): Likely pathogenic (1 of 4 stars; one submission).

Conditions:
Au-Kline syndrome. Also called: Neurodevelopmental disorder-craniofacial dysmorphism-cardiac defect-hip dysplasia syndrome due to a point mutation; Okamoto syndrome. Identifiers: Orphanet 2729, Orphanet 453499, Orphanet 453504, MedGen C4225274, MONDO:0014700, OMIM 616580.

Submission:

Victorian Clinical Genetics Services, Murdoch Childrens Research Institute
Classification: Likely pathogenic for Au-Kline syndrome. Last evaluated: 2024-09-20. Review status: criteria provided, single submitter. Criteria: ACMG Guidelines, 2015. Collection method: clinical testing. Allele origin: germline. Inheritance: Autosomal dominant inheritance. Affected: yes.
Comment: Based on the classification scheme VCGS_Germline_v1.3.4, this variant is classified as Likely Pathogenic. Following criteria are met: 0102 - Loss of function is a known mechanism of disease in this gene and is associated with Au-Kline syndrome (MIM#616580). The mechanism of missense variants is unclear. (I) 0107 - This gene is associated with autosomal dominant disease. (I) 0200 - Variant is predicted to result in a missense amino acid change from serine to arginine. (I) 0251 - This variant is heterozygous. (I) 0301 - Variant is absent from gnomAD (both v2 and v3). (SP) 0501 - Missense variant consistently predicted to be damaging by multiple in silico tools or highly conserved with a major amino acid change. (SP) 0603 - Missense variant in a region that is highly intolerant to missense variation (high constraint region in DECIPHER). (SP) 0705 - No comparable missense variants have previous evidence for pathogenicity. (I) 0807 - This variant has no previous evidence of pathogenicity. (I) 0905 - No published segregation evidence has been identified for this variant. (I) 1007 - No published functional evidence has been identified for this variant. (SP) Legend: (SP) - Supporting pathogenic, (I) - Information, (SB) - Supporting benign

NM_031263.4(HNRNPK):c.462T>G (p.Ser154Arg)

Genes: HNRNPK-AS1 (HNRNPK antisense RNA 1; plus strand), HNRNPK (heterogeneous nuclear ribonucleoprotein K; minus strand). Cytogenetic location: 9q21.32.
Variant type: single nucleotide variant.
Coding change: c.462T>G on transcript NM_031263.4 (MANE Select); coding-DNA position 462, T replaced by G.
Protein change: p.Ser154Arg; replaces serine 154 with arginine.
Molecular consequence: missense variant.
Genome position (GRCh38, 1-based): chr9:83,973,340, A>C on the plus strand (T>G on the coding strand, the complement: HNRNPK is on the minus strand). VCF-style: chr9-83973340-A-C. GRCh37 (hg19) VCF-style: chr9-86588255-A-C.
Other names: c.390T>G, p.Ser130Arg (NM_001318186.2, NM_001318187.2); c.462T>G, p.Ser154Arg (NM_001318188.2, NM_002140.5, NM_031262.4); short protein forms S130R, S154R.
Identifiers: ClinVar variation 3255000 (VCV003255000.2), dbSNP rs2491985362.